The following is an entry in ClinVar:

ClinVar aggregate classification (germline): Likely benign (0 of 4 stars; one submission).

Conditions:
MSH6-related disorder. Also called: MSH6-related condition; MSH6-Related disorders.

Submission:

PreventionGenetics, part of Exact Sciences
Classification: Likely benign for MSH6-related condition. Last evaluated: 2022-10-05. Review status: no assertion criteria provided. Collection method: clinical testing. Allele origin: germline.
Comment: This variant is classified as likely benign based on ACMG/AMP sequence variant interpretation guidelines (Richards et al. 2015 PMID: 25741868, with internal and published modifications).

NM_000179.3(MSH6):c.457+52_457+55del

Gene: MSH6 (mutS homolog 6; plus strand). Cytogenetic location: 2p16.3.
Variant type: Deletion.
Coding change: c.457+52_457+55del on transcript NM_000179.3 (MANE Select); bases 52 to 55 of the intron after coding-DNA position 457, 4 bases deleted (TGAG; older notation c.457+52_457+55delTGAG).
Molecular consequence: intron variant.
Genome position (GRCh38, 1-based): chr2:47,791,175-47,791,178, TGAG deleted; deleting any 4 consecutive bases within chr2:47,791,174-47,791,178 gives the same sequence; the c. name uses the placement nearest the transcript's 3' end. VCF-style (leftmost placement, unchanged base first): chr2-47791173-TGTGA-T. GRCh37 (hg19) VCF-style: chr2-48018312-TGTGA-T.
Other names: c.457+52_457+55del (NM_001406809.1, NM_001406796.1, NM_001406808.1 and 5 more transcripts); c.-280+52_-280+55del (NM_001406811.1, NM_001281493.2, NM_001406829.1 and 1 more transcripts); c.160+52_160+55del (NM_001406805.1, NM_001406797.1, NM_001406801.1 and 10 more transcripts); c.553+52_553+55del (NM_001406795.1, NM_001406802.1); c.463+46_463+49del (NM_001406813.1); c.-472+52_-472+55del (NM_001406807.1); c.-538+52_-538+55del (NM_001406814.1); c.-280+205_-280+208del (NM_001406812.1); and 6 more.
Identifiers: ClinVar variation 3049139 (VCV003049139.2), dbSNP rs1558652394, ClinGen allele CA532705670.
Genomic context (GRCh38, chr2:47,791,173, plus strand): 5'-GCCATATACAGGTAAGAGTCACTACTGCCATGTGTGTGTGTTTGTGTGTGTGTGTGTGTG[TGTGA>T]GAGAAACAGACAGACAGGCAGACTTTTTTCTATATGATGAAATTAAGTGTATTTTACCCC-3'